The following is an entry in ClinVar:

ClinVar aggregate classification (germline): Uncertain significance. Review status: criteria provided, multiple submitters, no conflicts (2 of 4 stars). 2 submissions from 2 submitters: Uncertain significance (2). Last evaluated 2022-04-01.

Conditions:
Inborn genetic diseases. Identifiers: MedGen C0950123, MeSH D030342.

Allele frequency attached by ClinVar (database versions not stated): gnomAD exomes 0.00002; TOPMed 0.00002; ExAC 0.00003; gnomAD 0.00003.
gnomAD v4.1: 28 of 1,613,964 alleles (0.0017%); highest among the groups gnomAD compares: Non-Finnish European, 0.0024%; no homozygotes.

Submissions (2):

Labcorp Genetics (formerly Invitae), Labcorp
Classification: Uncertain significance. Last evaluated: 2022-04-01. Review status: criteria provided, single submitter. Criteria: Invitae Variant Classification Sherloc (09022015). Collection method: clinical testing. Allele origin: germline.
Comment: This sequence change replaces leucine, which is neutral and non-polar, with valine, which is neutral and non-polar, at codon 49 of the C10orf11 protein (p.Leu49Val). This variant is present in population databases (rs758722866, gnomAD 0.007%). This variant has not been reported in the literature in individuals affected with C10orf11-related conditions. Algorithms developed to predict the effect of missense changes on protein structure and function (SIFT, PolyPhen-2, Align-GVGD) all suggest that this variant is likely to be disruptive. In summary, the available evidence is currently insufficient to determine the role of this variant in disease. Therefore, it has been classified as a Variant of Uncertain Significance.

Ambry Genetics
Classification: Uncertain significance for Inborn genetic diseases. Last evaluated: 2021-10-12. Review status: criteria provided, single submitter. Criteria: Ambry Variant Classification Scheme 2023. Collection method: clinical testing. Allele origin: germline.

NM_001305581.2(LRMDA):c.229C>G (p.Leu77Val)

Genes: LRMDA (leucine rich melanocyte differentiation associated; plus strand), LOC110121427 (VISTA enhancer hs1679; plus strand). Cytogenetic location: 10q22.3.
Variant type: single nucleotide variant.
Coding change: c.229C>G on transcript NM_001305581.2 (MANE Select); coding-DNA position 229, C replaced by G.
Protein change: p.Leu77Val; replaces leucine 77 with valine.
Molecular consequence: missense variant. On other transcripts: non-coding transcript variant (1).
Genome position (GRCh38, 1-based): chr10:76,036,105, C>G. VCF-style: chr10-76036105-C-G. GRCh37 (hg19) VCF-style: chr10-77795863-C-G.
Other names: c.145C>G (NM_032024.3); c.145C>G, p.Leu49Val (NM_032024.5); short protein forms L49V, L77V.
Identifiers: ClinVar variation 1927240 (VCV001927240.6), dbSNP rs758722866, ClinGen allele CA5567544.